The following is an entry in ClinVar:

NM_001261826.3(AP3D1):c.3386T>C (p.Leu1129Ser)

Gene: AP3D1 (adaptor related protein complex 3 subunit delta 1; minus strand). Cytogenetic location: 19p13.3.
Variant type: single nucleotide variant.
Coding change: c.3386T>C on transcript NM_001261826.3 (MANE Select); coding-DNA position 3386, T replaced by C.
Protein change: p.Leu1129Ser; replaces leucine 1129 with serine.
Molecular consequence: missense variant.
Genome position (GRCh38, 1-based): chr19:2,109,172, A>G on the plus strand (T>C on the coding strand, the complement: AP3D1 is on the minus strand). VCF-style: chr19-2109172-A-G. GRCh37 (hg19) VCF-style: chr19-2109171-A-G.
Other names: c.3350T>C, p.Leu1117Ser (NM_001374799.1); c.3200T>C, p.Leu1067Ser (NM_003938.8); c.3200T>C (NM_003938.5); short protein forms L1129S, L1067S, L1117S.
Identifiers: ClinVar variation 1466070 (VCV001466070.7), dbSNP rs369203872, ClinGen allele CA9058405.
Genomic context (GRCh38, chr19:2,109,172, plus strand): 5'-TTCGCCAGAAGATTCTGGAAGGACATCCGAATGCCATCGACTTTGATTGAGCTCATGCTC[A>G]AGTCCCCAGACTCCAGCAACTTAGCAAAGGCGTCACTGTGGGAGGGACAGGGAGGCTGAC-3'
Protein context (NP_001248755.1, residues 1119-1139): AFAKLLESGD[Leu1129Ser]SMSSIKVDGI

ClinVar aggregate classification (germline): Uncertain significance. Review status: criteria provided, multiple submitters, no conflicts (2 of 4 stars). 2 submissions from 2 submitters: Uncertain significance (2). Last evaluated 2025-08-05.

Conditions:
Inborn genetic diseases. Identifiers: MedGen C0950123, MeSH D030342.

Allele frequency attached by ClinVar (database versions not stated): gnomAD 0.00001 and 0.00003; TOPMed 0.00001; gnomAD exomes 0.00002 and 0.00003; ExAC 0.00004; ESP Exome Variant Server 0.00008; 1000 Genomes Project 30x 0.00047; 1000 Genomes Project 0.00060.
gnomAD v4.1: 46 of 1,608,562 alleles (0.0029%); highest among the groups gnomAD compares: South Asian, 0.017%; no homozygotes.

Submissions (2):

Ambry Genetics
Classification: Uncertain significance for Inborn genetic diseases. Last evaluated: 2025-08-05. Review status: criteria provided, single submitter. Criteria: Ambry Variant Classification Scheme 2023. Collection method: clinical testing. Allele origin: germline.

Labcorp Genetics (formerly Invitae), Labcorp
Classification: Uncertain significance. Last evaluated: 2022-06-27. Review status: criteria provided, single submitter. Criteria: Invitae Variant Classification Sherloc (09022015). Collection method: clinical testing. Allele origin: germline.
Comment: This sequence change replaces leucine, which is neutral and non-polar, with serine, which is neutral and polar, at codon 1129 of the AP3D1 protein (p.Leu1129Ser). In summary, the available evidence is currently insufficient to determine the role of this variant in disease. Therefore, it has been classified as a Variant of Uncertain Significance. Algorithms developed to predict the effect of missense changes on protein structure and function (SIFT, PolyPhen-2, Align-GVGD) all suggest that this variant is likely to be tolerated. This variant has not been reported in the literature in individuals affected with AP3D1-related conditions. This variant is present in population databases (rs369203872, gnomAD 0.01%).